The following is an entry in ClinVar:

ClinVar aggregate classification (germline): Uncertain significance (1 of 4 stars; one submission).

Conditions:
Inborn genetic diseases. Identifiers: MedGen C0950123, MeSH D030342.

gnomAD v4.1: 1 of 1,611,164 alleles (0.000062%); highest among the groups gnomAD compares: Non-Finnish European, 0.000085%; no homozygotes.

Submission:

Ambry Genetics
Classification: Uncertain significance for Inborn genetic diseases. Last evaluated: 2026-04-22. Review status: criteria provided, single submitter. Criteria: Ambry Variant Classification Scheme 2023. Collection method: clinical testing. Allele origin: germline.
Comment: The p.C9W variant (also known as c.27T>G), located in coding exon 1 of the ELANE gene, results from a T to G substitution at nucleotide position 27. The cysteine at codon 9 is replaced by tryptophan, an amino acid with highly dissimilar properties. This amino acid position is conserved. In addition, this alteration is predicted to be tolerated by in silico analysis. Based on the available evidence, the clinical significance of this variant remains unclear.

NM_001972.4(ELANE):c.27T>G (p.Cys9Trp)

Gene: ELANE (elastase, neutrophil expressed; plus strand). Cytogenetic location: 19p13.3.
Variant type: single nucleotide variant.
Coding change: c.27T>G on transcript NM_001972.4 (MANE Select); coding-DNA position 27, T replaced by G.
Protein change: p.Cys9Trp; replaces cysteine 9 with tryptophan.
Molecular consequence: missense variant.
Genome position (GRCh38, 1-based): chr19:852,355, T>G. VCF-style: chr19-852355-T-G. GRCh37 (hg19) VCF-style: chr19-852355-T-G.
Other names: short protein forms C9W.
Identifiers: ClinVar variation 4870353 (VCV004870353.1).
Genomic context (GRCh38, chr19:852,355, plus strand): 5'-GGAGGGGCAGAGACCCCGGAGCCCCAGCCCCACCATGACCCTCGGCCGCCGACTCGCGTG[T>G]CTTTTCCTCGCCTGTGTCCTGCCGGCCTTGCTGCTGGGGGGTGAGTTTTTGAGTCCAACC-3'
Protein context (NP_001963.1, residues 1-19): MTLGRRLA[Cys9Trp]LFLACVLPAL